The following is an entry in ClinVar:

NM_003482.4(KMT2D):c.13429G>A (p.Gly4477Arg)

Gene: KMT2D (lysine methyltransferase 2D; minus strand). Cytogenetic location: 12q13.12.
Variant type: single nucleotide variant.
Coding change: c.13429G>A on transcript NM_003482.4 (MANE Select); coding-DNA position 13429, G replaced by A.
Protein change: p.Gly4477Arg; replaces glycine 4477 with arginine.
Molecular consequence: missense variant.
Genome position (GRCh38, 1-based): chr12:49,031,276, C>T on the plus strand (G>A on the coding strand, the complement: KMT2D is on the minus strand). VCF-style: chr12-49031276-C-T. GRCh37 (hg19) VCF-style: chr12-49425059-C-T.
Other names: short protein forms G4477R.
Identifiers: ClinVar variation 3703884 (VCV003703884.2).
Genomic context (GRCh38, chr12:49,031,276, plus strand): 5'-CAGCCAGCTTGCTGTCAATGTGCCCGTTGATCTCAGCTCGCAGCCCCTCGGACCCCCGCC[C>T]AGTGCTGAGTTGCACATTCTTTGCCCGGAGTAGCTTCTGCAAGAGCAGATGCCCAGCTTC-3'
Protein context (NP_003473.3, residues 4467-4487): LRAKNVQLST[Gly4477Arg]RGSEGLRAEI

ClinVar aggregate classification (germline): Uncertain significance (1 of 4 stars; one submission).

Conditions:
Kabuki syndrome. Also called: Kabuki make-up syndrome; NIIKAWA-KUROKI SYNDROME. Identifiers: Orphanet 2322, MedGen C0796004, MONDO:0016512.

gnomAD v4.1: 2 of 1,613,484 alleles (0.00012%); highest among the groups gnomAD compares: Middle Eastern, 0.016%; no homozygotes.

Submission:

Labcorp Genetics (formerly Invitae), Labcorp
Classification: Uncertain significance for Kabuki syndrome. Last evaluated: 2024-08-03. Review status: criteria provided, single submitter. Criteria: Invitae Variant Classification Sherloc (09022015). Collection method: clinical testing. Allele origin: germline.
Comment: This sequence change replaces glycine, which is neutral and non-polar, with arginine, which is basic and polar, at codon 4477 of the KMT2D protein (p.Gly4477Arg). This variant is not present in population databases (gnomAD no frequency). This variant has not been reported in the literature in individuals affected with KMT2D-related conditions. Advanced modeling of protein sequence and biophysical properties (such as structural, functional, and spatial information, amino acid conservation, physicochemical variation, residue mobility, and thermodynamic stability) performed at Invitae indicates that this missense variant is not expected to disrupt KMT2D protein function with a negative predictive value of 95%. In summary, the available evidence is currently insufficient to determine the role of this variant in disease. Therefore, it has been classified as a Variant of Uncertain Significance.